The following is an entry in ClinVar:

NM_018112.3(TMEM38B):c.270-229G>A

Gene: TMEM38B (transmembrane protein 38B; plus strand). Cytogenetic location: 9q31.2.
Variant type: single nucleotide variant.
Coding change: c.270-229G>A on transcript NM_018112.3 (MANE Select); 229 bases into the intron before coding-DNA position 270, G replaced by A.
Molecular consequence: intron variant.
Genome position (GRCh38, 1-based): chr9:105,721,308, G>A. VCF-style: chr9-105721308-G-A. GRCh37 (hg19) VCF-style: chr9-108483589-G-A.
Identifiers: ClinVar variation 669660 (VCV000669660.1), dbSNP rs7859125, ClinGen allele CA15604852.

ClinVar aggregate classification (germline): Benign (1 of 4 stars; one submission).

Allele frequency attached by ClinVar (database versions not stated): gnomAD 0.42875 and 0.43069; TOPMed 0.44876; 1000 Genomes Project 0.52216; 1000 Genomes Project 30x 0.52405.
gnomAD v4.1: 64,985 of 151,966 alleles (43%); highest among the groups gnomAD compares: African/African-American, 68%; 16,027 homozygotes.

Submission:

GeneDx
Classification: Benign. Last evaluated: 2018-06-14. Review status: criteria provided, single submitter. Criteria: GeneDx Variant Classification (06012015). Collection method: clinical testing. Allele origin: germline. Affected: yes.
Comment: This variant is considered likely benign or benign based on one or more of the following criteria: it is a conservative change, it occurs at a poorly conserved position in the protein, it is predicted to be benign by multiple in silico algorithms, and/or has population frequency not consistent with disease.